The following is an entry in ClinVar:

ClinVar aggregate classification (germline): Uncertain significance (1 of 4 stars; one submission).

gnomAD v4.1: 1 of 1,533,688 alleles (0.000065%); highest among the groups gnomAD compares: East Asian, 0.0025%; no homozygotes.

Submission:

Labcorp Genetics (formerly Invitae), Labcorp
Classification: Uncertain significance. Last evaluated: 2025-06-23. Review status: criteria provided, single submitter. Criteria: Invitae Variant Classification Sherloc (09022015). Collection method: clinical testing. Allele origin: germline.
Comment: This sequence change replaces alanine, which is neutral and non-polar, with threonine, which is neutral and polar, at codon 42 of the ARID1B protein (p.Ala42Thr). This variant is not present in population databases (gnomAD no frequency). This variant has not been reported in the literature in individuals affected with ARID1B-related conditions. ClinVar contains an entry for this variant (Variation ID: 3681192). Invitae Evidence Modeling of protein sequence and biophysical properties (such as structural, functional, and spatial information, amino acid conservation, physicochemical variation, residue mobility, and thermodynamic stability) indicates that this missense variant is not expected to disrupt ARID1B protein function with a negative predictive value of 95%. In summary, the available evidence is currently insufficient to determine the role of this variant in disease. Therefore, it has been classified as a Variant of Uncertain Significance.

NM_001374828.1(ARID1B):c.373G>A (p.Ala125Thr)

Genes: ARID1B (AT-rich interaction domain 1B; plus strand), LOC115308161 (uncharacterized LOC115308161; minus strand). Cytogenetic location: 6q25.3.
Variant type: single nucleotide variant.
Coding change: c.373G>A on transcript NM_001374828.1 (MANE Select); coding-DNA position 373, G replaced by A.
Protein change: p.Ala125Thr; replaces alanine 125 with threonine.
Molecular consequence: missense variant.
Genome position (GRCh38, 1-based): chr6:156,778,053, G>A. VCF-style: chr6-156778053-G-A. GRCh37 (hg19) VCF-style: chr6-157099187-G-A.
Other names: c.373G>A, p.Ala125Thr (NM_001371656.1, NM_001374820.1, NM_017519.3); short protein forms A125T.
Identifiers: ClinVar variation 3681192 (VCV003681192.2).